The following is an entry in ClinVar:

NM_015459.5(ATL3):c.1370C>T (p.Ala457Val)

Genes: ATL3 (atlastin GTPase 3; minus strand), LNCROPM (lncRNA regulator of PLAAT3 mediated phospholipid metabolism; plus strand). Cytogenetic location: 11q13.1.
Variant type: single nucleotide variant.
Coding change: c.1370C>T on transcript NM_015459.5 (MANE Select); coding-DNA position 1370, C replaced by T.
Protein change: p.Ala457Val; replaces alanine 457 with valine.
Molecular consequence: missense variant.
Genome position (GRCh38, 1-based): chr11:63,631,209, G>A on the plus strand (C>T on the coding strand, the complement: ATL3 is on the minus strand). VCF-style: chr11-63631209-G-A. GRCh37 (hg19) VCF-style: chr11-63398681-G-A.
Other names: c.1316C>T, p.Ala439Val (NM_001290048.2); short protein forms A439V, A457V.
Identifiers: ClinVar variation 1012576 (VCV001012576.41), dbSNP rs746731806, ClinGen allele CA6063532.
Genomic context (GRCh38, chr11:63,631,209, plus strand): 5'-ACCATACAGTTGAACAACTGGGCTACAACCTCAAGACCTATGAAGCCAGTGAGGCCTGAG[G>A]CTATGTACAAAGCTACAATGCCCGTGAACAGCACTGCAGGGGTTCGGAAGGTGCTGAAGA-3'
Protein context (NP_056274.3, residues 447-467): LFTGIVALYI[Ala457Val]SGLTGFIGLE

ClinVar aggregate classification (germline): Uncertain significance. Review status: criteria provided, multiple submitters, no conflicts (2 of 4 stars). 2 submissions from 2 submitters: Uncertain significance (2). Last evaluated 2023-07-10.

Conditions:
Neuropathy, hereditary sensory, type 1F. Also called: HSN IF; Hereditary sensory neuropathy type IF. Identifiers: Orphanet 36386, MedGen C3810194, MONDO:0014286, OMIM 615632.

Allele frequency attached by ClinVar (database versions not stated): gnomAD exomes 0.00001 and 0.00002; TOPMed 0.00001; ExAC 0.00002; gnomAD 0.00002.
gnomAD v4.1: 33 of 1,614,094 alleles (0.002%); highest among the groups gnomAD compares: Non-Finnish European, 0.0027%; no homozygotes.

Submissions (2):

Labcorp Genetics (formerly Invitae), Labcorp
Classification: Uncertain significance for Neuropathy, hereditary sensory, type 1F. Last evaluated: 2023-07-10. Review status: criteria provided, single submitter. Criteria: Invitae Variant Classification Sherloc (09022015). Collection method: clinical testing. Allele origin: germline.
Comment: In summary, the available evidence is currently insufficient to determine the role of this variant in disease. Therefore, it has been classified as a Variant of Uncertain Significance. Advanced modeling of protein sequence and biophysical properties (such as structural, functional, and spatial information, amino acid conservation, physicochemical variation, residue mobility, and thermodynamic stability) performed at Invitae indicates that this missense variant is not expected to disrupt ATL3 protein function. ClinVar contains an entry for this variant (Variation ID: 1012576). This variant has not been reported in the literature in individuals affected with ATL3-related conditions. This variant is present in population databases (rs746731806, gnomAD 0.0009%). This sequence change replaces alanine, which is neutral and non-polar, with valine, which is neutral and non-polar, at codon 457 of the ATL3 protein (p.Ala457Val).

CeGaT Center for Human Genetics Tuebingen
Classification: Uncertain significance. Last evaluated: 2020-08-01. Review status: criteria provided, single submitter. Criteria: CeGaT Center For Human Genetics Tuebingen Variant Classification Criteria Version 2. Collection method: clinical testing. Allele origin: germline. Affected: yes. Observed: 1 variant allele.